The following is an entry in ClinVar:

NM_001378615.1(CC2D2A):c.4315-2A>G

Genes: CC2D2A (coiled-coil and C2 domain containing 2A; plus strand), FBXL5 (F-box and leucine rich repeat protein 5; minus strand). Cytogenetic location: 4p15.32.
Variant type: single nucleotide variant.
Coding change: c.4315-2A>G on transcript NM_001378615.1 (MANE Select); the canonical splice acceptor site of the intron before coding-DNA position 4315, A replaced by G.
Molecular consequence: splice acceptor variant.
Genome position (GRCh38, 1-based): chr4:15,596,083, A>G. VCF-style: chr4-15596083-A-G. GRCh37 (hg19) VCF-style: chr4-15597706-A-G.
Other names: c.4315-2A>G (NM_001080522.2); c.4168-2A>G (NM_001378617.1).
Identifiers: ClinVar variation 3379534 (VCV003379534.1), dbSNP rs1206734595.

ClinVar aggregate classification (germline): Uncertain significance (1 of 4 stars; one submission).

gnomAD v4.1: 3 of 1,543,106 alleles (0.00019%); highest among the groups gnomAD compares: Non-Finnish European, 0.00026%; no homozygotes.

Submission:

Mayo Clinic Laboratories, Mayo Clinic
Classification: Uncertain significance. Last evaluated: 2023-11-29. Review status: criteria provided, single submitter. Criteria: ACMG Guidelines, 2015. Collection method: clinical testing. Allele origin: germline. Observed: 1 variant allele.
Comment: PM2_moderate, PVS1_moderate